The following is an entry in ClinVar:

NM_031443.4(CCM2):c.499_500del (p.Gln167fs)

Gene: CCM2 (CCM2 scaffold protein; plus strand). Cytogenetic location: 7p13.
Variant type: Deletion.
Coding change: c.499_500del on transcript NM_031443.4 (MANE Select); coding-DNA positions 499 to 500, 2 bases deleted (CA; older notation c.499_500delCA).
Protein change: p.Gln167fs; shifts the reading frame from glutamine 167.
Molecular consequence: frameshift variant. On other transcripts: non-coding transcript variant (1), intron variant (1).
Genome position (GRCh38, 1-based): chr7:45,068,469-45,068,470, CA deleted. VCF-style (leftmost placement, unchanged base first): chr7-45068468-CCA-C. GRCh37 (hg19) VCF-style: chr7-45108067-CCA-C.
Other names: c.562_563del, p.Gln188fs (NM_001029835.2); c.325_326del, p.Gln109fs (NM_001167934.2, NM_001363459.2); c.499_500del, p.Gln167fs (NM_001363458.2); c.472+3823_472+3824del (NM_001167935.2); short protein forms Q167fs, Q188fs, Q109fs.
Identifiers: ClinVar variation 2701828 (VCV002701828.3), dbSNP rs2486135424, ClinGen allele CA2697557257.
Genomic context (GRCh38, chr7:45,068,468, plus strand): 5'-CACTGTGCTAAACTGAGATGGTGTTGACTTCTCAGCCCAGGACCCAGGGATCTCCCCCAG[CCA>C]GAGTCTGTGTGCGGAAAGTTCCAGAGGCCTCAGTGCAGGCTCCCTGTCGGAGAGTGCAGT-3'

ClinVar aggregate classification (germline): Pathogenic (1 of 4 stars; one submission).

Conditions:
Cerebral cavernous malformation 2. Also called: Familial Cerebral Cavernous Malformation 2. Identifiers: Orphanet 221061, MedGen C1864041, MONDO:0011304, OMIM 603284.

Submission:

Labcorp Genetics (formerly Invitae), Labcorp
Classification: Pathogenic for Cerebral cavernous malformation 2. Last evaluated: 2023-12-09. Review status: criteria provided, single submitter. Criteria: Invitae Variant Classification Sherloc (09022015). Collection method: clinical testing. Allele origin: germline.
Comment: This sequence change creates a premature translational stop signal (p.Gln167Glufs*68) in the CCM2 gene. It is expected to result in an absent or disrupted protein product. Loss-of-function variants in CCM2 are known to be pathogenic (PMID: 18300272, 24689081). This variant is not present in population databases (gnomAD no frequency). This variant has not been reported in the literature in individuals affected with CCM2-related conditions. For these reasons, this variant has been classified as Pathogenic.

Literature cited by the submitters: PubMed 18300272; PubMed 24689081.